The following is an entry in ClinVar:

NM_024757.5(EHMT1):c.3074G>C (p.Cys1025Ser)

Gene: EHMT1 (euchromatic histone lysine methyltransferase 1; plus strand). Cytogenetic location: 9q34.3.
Variant type: single nucleotide variant.
Coding change: c.3074G>C on transcript NM_024757.5 (MANE Select); coding-DNA position 3074, G replaced by C.
Protein change: p.Cys1025Ser; replaces cysteine 1025 with serine.
Molecular consequence: missense variant.
Genome position (GRCh38, 1-based): chr9:137,813,424, G>C. VCF-style: chr9-137813424-G-C. GRCh37 (hg19) VCF-style: chr9-140707876-G-C.
Other names: c.3053G>C, p.Cys1018Ser (NM_001354263.2); c.3074G>C (NM_024757.4); short protein forms C1025S, C1018S.
Identifiers: ClinVar variation 1386673 (VCV001386673.7), dbSNP rs371968733, ClinGen allele CA5375161.

ClinVar aggregate classification (germline): Uncertain significance. Review status: criteria provided, multiple submitters, no conflicts (2 of 4 stars). 2 submissions from 2 submitters: Uncertain significance (2). Last evaluated 2024-05-21.

Conditions:
Kleefstra syndrome 1 (KLEFS1). Identifiers: Orphanet 261494, MedGen C0795833, MONDO:0027407, OMIM 610253.

Allele frequency attached by ClinVar (database versions not stated): gnomAD 0.00001; ESP Exome Variant Server 0.00008; TOPMed 0.00001; gnomAD exomes 0.00002.
gnomAD v4.1: 27 of 1,613,366 alleles (0.0017%); highest among the groups gnomAD compares: African/African-American, 0.0027%; no homozygotes.

Submissions (2):

GeneDx
Classification: Uncertain significance. Last evaluated: 2024-05-21. Review status: criteria provided, single submitter. Criteria: GeneDx Variant Classification Process June 2021. Collection method: clinical testing. Allele origin: germline. Affected: yes.
Comment: Identified as maternally inherited in a patient from the Deciphering Developmental Disorders Study cohort, but additional clinical information was not included (PMID: 29276005); Not observed at significant frequency in large population cohorts (gnomAD); In silico analysis supports that this missense variant has a deleterious effect on protein structure/function; This variant is associated with the following publications: (PMID: 29276005)

Labcorp Genetics (formerly Invitae), Labcorp
Classification: Uncertain significance for Kleefstra syndrome 1. Last evaluated: 2023-05-04. Review status: criteria provided, single submitter. Criteria: Invitae Variant Classification Sherloc (09022015). Collection method: clinical testing. Allele origin: germline.
Comment: This sequence change replaces cysteine, which is neutral and slightly polar, with serine, which is neutral and polar, at codon 1025 of the EHMT1 protein (p.Cys1025Ser). This variant is not present in population databases (gnomAD no frequency). This variant has not been reported in the literature in individuals affected with EHMT1-related conditions. ClinVar contains an entry for this variant (Variation ID: 1386673). Advanced modeling of protein sequence and biophysical properties (such as structural, functional, and spatial information, amino acid conservation, physicochemical variation, residue mobility, and thermodynamic stability) has been performed at Invitae for this missense variant, however the output from this modeling did not meet the statistical confidence thresholds required to predict the impact of this variant on EHMT1 protein function. In summary, the available evidence is currently insufficient to determine the role of this variant in disease. Therefore, it has been classified as a Variant of Uncertain Significance.